The following is an entry in ClinVar:

NM_032217.5(ANKRD17):c.7790T>C (p.Val2597Ala)

Gene: ANKRD17 (ankyrin repeat domain 17; minus strand). Cytogenetic location: 4q13.3.
Variant type: single nucleotide variant.
Coding change: c.7790T>C on transcript NM_032217.5 (MANE Select); coding-DNA position 7790, T replaced by C.
Protein change: p.Val2597Ala; replaces valine 2597 with alanine.
Molecular consequence: missense variant.
Genome position (GRCh38, 1-based): chr4:73,076,253, A>G on the plus strand (T>C on the coding strand, the complement: ANKRD17 is on the minus strand). VCF-style: chr4-73076253-A-G. GRCh37 (hg19) VCF-style: chr4-73941970-A-G.
Other names: c.7451T>C, p.Val2484Ala (NM_001286771.3); c.7787T>C, p.Val2596Ala (NM_015574.2); c.7037T>C, p.Val2346Ala (NM_198889.3); short protein forms V2346A, V2484A, V2596A, V2597A.
Identifiers: ClinVar variation 3371213 (VCV003371213.1).

ClinVar aggregate classification (germline): Uncertain significance (1 of 4 stars; one submission).

Submission:

GeneDx
Classification: Uncertain significance. Last evaluated: 2024-03-22. Review status: criteria provided, single submitter. Criteria: GeneDx Variant Classification Process June 2021. Collection method: clinical testing. Allele origin: germline. Affected: yes.
Comment: Not observed at significant frequency in large population cohorts (gnomAD); In silico analysis supports that this missense variant does not alter protein structure/function; Has not been previously published as pathogenic or benign to our knowledge